The following is an entry in ClinVar:

NM_001267550.2(TTN):c.96310+4A>T

Genes: TTN-AS1 (TTN antisense RNA 1; plus strand), TTN (titin; minus strand), LOC126806421 (CDK7 strongly-dependent group 2 enhancer GRCh37_chr2:179407630-179408829; plus strand). Cytogenetic location: 2q31.2.
Variant type: single nucleotide variant.
Coding change: c.96310+4A>T on transcript NM_001267550.2 (MANE Select); 4 bases into the intron after coding-DNA position 96310, A replaced by T.
Molecular consequence: intron variant.
Genome position (GRCh38, 1-based): chr2:178,543,830, T>A on the plus strand (A>T on the coding strand, the complement: TTN is on the minus strand). VCF-style: chr2-178543830-T-A. GRCh37 (hg19) VCF-style: chr2-179408557-T-A.
Other names: c.69490+4A>T (NM_133432.3); c.88606+4A>T (NM_133378.4); c.91387+4A>T (NM_001256850.1); c.69115+4A>T (NM_003319.4); c.69691+4A>T (NM_133437.4).
Identifiers: ClinVar variation 580853 (VCV000580853.9), dbSNP rs781222763, ClinGen allele CA1986785.
Genomic context (GRCh38, chr2:178,543,830, plus strand): 5'-GGTCAAGCTATATTGTTTTAGAGGATCTACTCATTGTATAGCCAATTTTAAGTAAAATGC[T>A]TACCATAGACTTTAACAAGGACTGTTGCTGATTTCTTGCCAGATTGGTTTTCAGCTTCAA-3'

ClinVar aggregate classification (germline): Uncertain significance (1 of 4 stars; one submission).

Conditions:
Dilated cardiomyopathy 1G (CMD1G). Identifiers: Orphanet 154, MedGen C1858763, MONDO:0011400, OMIM 604145.
Autosomal recessive limb-girdle muscular dystrophy type 2J (LGMDR10). Also called: Limb-girdle muscular dystrophy, type 2J; MUSCULAR DYSTROPHY, LIMB-GIRDLE, AUTOSOMAL RECESSIVE 10. Identifiers: Orphanet 140922, MedGen C1837342, MONDO:0012127, OMIM 608807.

Allele frequency attached by ClinVar (database versions not stated): gnomAD exomes 0.00004; ExAC 0.00007.
gnomAD v4.1: 36 of 1,612,986 alleles (0.0022%); highest among the groups gnomAD compares: South Asian, 0.038%; 1 homozygote.

Submission:

Labcorp Genetics (formerly Invitae), Labcorp
Classification: Uncertain significance for Dilated cardiomyopathy 1G; Autosomal recessive limb-girdle muscular dystrophy type 2J. Last evaluated: 2024-04-19. Review status: criteria provided, single submitter. Criteria: Invitae Variant Classification Sherloc (09022015). Collection method: clinical testing. Allele origin: germline.
Comment: This sequence change falls in intron 346 of the TTN gene. It does not directly change the encoded amino acid sequence of the TTN protein. It affects a nucleotide within the consensus splice site. This variant is present in population databases (rs781222763, gnomAD 0.04%). This variant has not been reported in the literature in individuals affected with TTN-related conditions. ClinVar contains an entry for this variant (Variation ID: 580853). Variants that disrupt the consensus splice site are a relatively common cause of aberrant splicing (PMID: 17576681, 9536098). Algorithms developed to predict the effect of sequence changes on RNA splicing suggest that this variant is not likely to affect RNA splicing. This variant is located in the A band of TTN (PMID: 25589632). Variants in this region may be relevant for cardiac or neuromuscular disorders (PMID: 25589632, 23975875). In summary, the available evidence is currently insufficient to determine the role of this variant in disease. Therefore, it has been classified as a Variant of Uncertain Significance.

Literature cited by the submitters: PubMed 17576681; PubMed 9536098; PubMed 25589632; PubMed 23975875.